The following is an entry in ClinVar:

ClinVar aggregate classification (germline): Uncertain significance. Review status: criteria provided, multiple submitters, no conflicts (2 of 4 stars). 2 submissions from 2 submitters: Uncertain significance (2). Last evaluated 2024-02-02.

Allele frequency attached by ClinVar (database versions not stated): ExAC 0.00001; gnomAD exomes 0.00001; TOPMed 0.00001.
gnomAD v4.1: 3 of 1,613,868 alleles (0.00019%); highest among the groups gnomAD compares: East Asian, 0.0045%; no homozygotes.

Submissions (2):

Labcorp Genetics (formerly Invitae), Labcorp
Classification: Uncertain significance. Last evaluated: 2024-02-02. Review status: criteria provided, single submitter. Criteria: Invitae Variant Classification Sherloc (09022015). Collection method: clinical testing. Allele origin: germline.
Comment: This sequence change replaces serine, which is neutral and polar, with cysteine, which is neutral and slightly polar, at codon 875 of the KANK1 protein (p.Ser875Cys). This variant is present in population databases (rs762395616, gnomAD 0.006%). This variant has not been reported in the literature in individuals affected with KANK1-related conditions. Advanced modeling of protein sequence and biophysical properties (such as structural, functional, and spatial information, amino acid conservation, physicochemical variation, residue mobility, and thermodynamic stability) performed at Invitae indicates that this missense variant is expected to disrupt KANK1 protein function with a positive predictive value of 80%. In summary, the available evidence is currently insufficient to determine the role of this variant in disease. Therefore, it has been classified as a Variant of Uncertain Significance.

Ambry Genetics
Classification: Uncertain significance. Last evaluated: 2024-01-31. Review status: criteria provided, single submitter. Criteria: Ambry Variant Classification Scheme 2023. Collection method: clinical testing. Allele origin: germline.

NM_015158.5(KANK1):c.2624C>G (p.Ser875Cys)

Gene: KANK1 (KN motif and ankyrin repeat domains 1; plus strand). Cytogenetic location: 9p24.3.
Variant type: single nucleotide variant.
Coding change: c.2624C>G on transcript NM_015158.5 (MANE Select); coding-DNA position 2624, C replaced by G.
Protein change: p.Ser875Cys; replaces serine 875 with cysteine.
Molecular consequence: missense variant. On other transcripts: non-coding transcript variant (1).
Genome position (GRCh38, 1-based): chr9:713,390, C>G. VCF-style: chr9-713390-C-G. GRCh37 (hg19) VCF-style: chr9-713390-C-G.
Other names: c.2624C>G, p.Ser875Cys (NM_001256876.3, NM_001256877.3, NM_001354331.2 and 2 more transcripts); c.2150C>G, p.Ser717Cys (NM_001354333.2, NM_001354335.2, NM_001354336.2 and 9 more transcripts); short protein forms S717C, S875C.
Identifiers: ClinVar variation 3112588 (VCV003112588.3), dbSNP rs762395616, ClinGen allele CA4960556.